The following is an entry in ClinVar:

NM_000138.5(FBN1):c.3256T>C (p.Cys1086Arg)

Gene: FBN1 (fibrillin 1; minus strand). Cytogenetic location: 15q21.1.
Variant type: single nucleotide variant.
Coding change: c.3256T>C on transcript NM_000138.5 (MANE Select); coding-DNA position 3256, T replaced by C.
Protein change: p.Cys1086Arg; replaces cysteine 1086 with arginine.
Molecular consequence: missense variant.
Genome position (GRCh38, 1-based): chr15:48,488,194, A>G on the plus strand (T>C on the coding strand, the complement: FBN1 is on the minus strand). VCF-style: chr15-48488194-A-G. GRCh37 (hg19) VCF-style: chr15-48780391-A-G.
Other names: short protein forms C1086R.
Identifiers: ClinVar variation 549147 (VCV000549147.2), dbSNP rs1555398637, ClinGen allele CA392327455.

ClinVar aggregate classification (germline): Pathogenic. Review status: criteria provided, single submitter (1 of 4 stars). 2 submissions from 2 submitters: Pathogenic (1). 1 of the submissions does not count toward it. Last evaluated 2023-05-03.

Conditions:
Marfan syndrome (MFS). Also called: Marfan syndrome type 1; Marfan syndrome, classic; Marfan's syndrome; FBN1-Related Marfan Syndrome; MARFAN SYNDROME, TYPE I. Identifiers: Orphanet 284963, Orphanet 558, MedGen C0024796, MONDO:0007947, OMIM 154700.

Submissions (2):

GeneDx
Classification: Pathogenic. Last evaluated: 2023-05-03. Review status: criteria provided, single submitter. Criteria: GeneDx Variant Classification Process June 2021. Collection method: clinical testing. Allele origin: germline. Affected: yes.
Comment: Affects a cysteine residue within a calcium-binding EGF-like domain of the FBN1 gene, which may affect disulfide bonding and is predicted to alter the structure and function of the protein; cysteine substitutions in the calcium-binding EGF-like domains represent the majority of pathogenic missense changes associated with FBN1-related disorders (Collod-Beroud et al., 2003); Not observed at significant frequency in large population cohorts (gnomAD); In silico analysis supports that this missense variant has a deleterious effect on protein structure/function; This variant is associated with the following publications: (PMID: 18377451, 18379569, Soma_Article_2023, 12938084)

Center for Medical Genetics Ghent, University of Ghent
Classification: Pathogenic for Marfan syndrome. Last evaluated: 2017-11-07. Review status: no assertion criteria provided. Collection method: clinical testing. Allele origin: de novo. Affected: yes. Not counted in ClinVar's aggregate classification.